The following is an entry in ClinVar:

ClinVar aggregate classification (germline): Uncertain significance (1 of 4 stars; one submission).

Submission:

Labcorp Genetics (formerly Invitae), Labcorp
Classification: Uncertain significance. Last evaluated: 2021-07-19. Review status: criteria provided, single submitter. Criteria: Invitae Variant Classification Sherloc (09022015). Collection method: clinical testing. Allele origin: germline.
Comment: In summary, the available evidence is currently insufficient to determine the role of this variant in disease. Therefore, it has been classified as a Variant of Uncertain Significance. Experimental studies and prediction algorithms are not available or were not evaluated, and the functional significance of this variant is currently unknown. This variant has not been reported in the literature in individuals affected with MYO5B-related conditions. This variant is not present in population databases (ExAC no frequency). This variant, c.5253_5255del, results in the deletion of 1 amino acid(s) of the MYO5B protein (p.Lys1752del), but otherwise preserves the integrity of the reading frame.

NM_001080467.3(MYO5B):c.5250GAA[1] (p.Lys1752del)

Genes: MYO5B (myosin VB; minus strand), SNHG22 (small nucleolar RNA host gene 22; plus strand). Cytogenetic location: 18q21.1.
Variant type: Microsatellite.
Coding change: c.5250GAA[1] on transcript NM_001080467.3 (MANE Select); one copy of the 3-base unit GAA starting at c.5250; the reference has two copies in a row; one copy, 3 bases deleted.
Protein change: p.Lys1752del; deletes lysine 1752.
Molecular consequence: inframe deletion.
Genome position (GRCh38, 1-based): chr18:49,836,769-49,836,771, TTC deleted on the plus strand (GAA on the coding strand, the reverse complement: MYO5B is on the minus strand); deleting any 3 consecutive bases within chr18:49,836,769-49,836,776 gives the same sequence; the position shown is the placement nearest the transcript's 3' end. VCF-style (leftmost placement, unchanged base first): chr18-49836768-TTTC-T. GRCh37 (hg19) VCF-style: chr18-47363138-TTTC-T.
Other names: short protein forms K1752del.
Identifiers: ClinVar variation 1360954 (VCV001360954.6), dbSNP rs2144030735, ClinGen allele CA2580612995.
Genomic context (GRCh38, chr18:49,836,768, plus strand): 5'-TACCTGCTGGGTGCTGAGGGAGGTACACAGGGAGCAGATAGCCTCTGCGTCCTCCTGGGT[TTTC>T]TTCTTTAATTGCAGGAGCTGGGCTGCTTGGATCAGAGGTTCCATGGTCTGAACTGCTCCA-3'